The following is an entry in ClinVar:

ClinVar aggregate classification (germline): Uncertain significance. Review status: criteria provided, multiple submitters, no conflicts (2 of 4 stars). 3 submissions from 3 submitters: Uncertain significance (3). Last evaluated 2026-06-15.

Allele frequency attached by ClinVar (database versions not stated): gnomAD 0.00021; 1000 Genomes Project 30x 0.00031; 1000 Genomes Project 0.00040; ExAC 0.00012; ESP Exome Variant Server 0.00038; TOPMed 0.00038; gnomAD exomes 0.00002.
gnomAD v4.1: 69 of 1,614,176 alleles (0.0043%); highest among the groups gnomAD compares: African/African-American, 0.085%; no homozygotes.

Submissions (3):

Women's Health and Genetics/Laboratory Corporation of America, LabCorp
Classification: Uncertain significance. Last evaluated: 2026-06-15. Review status: criteria provided, single submitter. Criteria: LabCorp Variant Classification Summary - May 2015. Collection method: clinical testing. Allele origin: germline.
Comment: Variant summary: FAT2 c.2015A>G (p.Lys672Arg) results in a conservative amino acid change in the encoded protein sequence. Algorithms developed to predict the effect of missense changes on protein structure and function are either unavailable or do not agree on the potential impact of this missense change. The variant allele was found at a frequency of 7.6e-05 in 251326 control chromosomes. This frequency is not significantly higher than estimated for disease-causing variants in FAT2, allowing no conclusion about variant significance. To our knowledge, no occurrence of c.2015A>G in individuals affected with FAT2-related conditions and no experimental evidence demonstrating its impact on protein function have been reported. ClinVar contains an entry for this variant (Variation ID: 2697880). Based on the evidence outlined above, the variant was classified as uncertain significance.

Labcorp Genetics (formerly Invitae), Labcorp
Classification: Uncertain significance. Last evaluated: 2024-10-24. Review status: criteria provided, single submitter. Criteria: Invitae Variant Classification Sherloc (09022015). Collection method: clinical testing. Allele origin: germline.
Comment: This sequence change replaces lysine, which is basic and polar, with arginine, which is basic and polar, at codon 672 of the FAT2 protein (p.Lys672Arg). This variant is present in population databases (rs146603445, gnomAD 0.09%), and has an allele count higher than expected for a pathogenic variant. This variant has not been reported in the literature in individuals affected with FAT2-related conditions. An algorithm developed to predict the effect of missense changes on protein structure and function (PolyPhen-2) suggests that this variant is likely to be tolerated. In summary, the available evidence is currently insufficient to determine the role of this variant in disease. Therefore, it has been classified as a Variant of Uncertain Significance.

Ambry Genetics
Classification: Uncertain significance. Last evaluated: 2021-10-12. Review status: criteria provided, single submitter. Criteria: Ambry Variant Classification Scheme 2023. Collection method: clinical testing. Allele origin: germline.

NM_001447.3(FAT2):c.2015A>G (p.Lys672Arg)

Gene: FAT2 (FAT atypical cadherin 2; minus strand). Cytogenetic location: 5q33.1.
Variant type: single nucleotide variant.
Coding change: c.2015A>G on transcript NM_001447.3 (MANE Select); coding-DNA position 2015, A replaced by G.
Protein change: p.Lys672Arg; replaces lysine 672 with arginine.
Molecular consequence: missense variant.
Genome position (GRCh38, 1-based): chr5:151,566,917, T>C on the plus strand (A>G on the coding strand, the complement: FAT2 is on the minus strand). VCF-style: chr5-151566917-T-C. GRCh37 (hg19) VCF-style: chr5-150946478-T-C.
Other names: c.2015A>G (NM_001447.2); short protein forms K672R.
Identifiers: ClinVar variation 2697880 (VCV002697880.5), dbSNP rs146603445, ClinGen allele CA3522155.
Genomic context (GRCh38, chr5:151,566,917, plus strand): 5'-TGGTTCTGAAGCCCAATAAAGTGGAGGATAGTCTTTGTGAATTGTGTCAATACCCCTGTT[T>C]TATCACATGTTACAGGAACTTCAAAATGAGGGTCCTTCACCACAGTAATATTCAAAGTTG-3'
Protein context (NP_001438.1, residues 662-682): PHFEVPVTCD[Lys672Arg]TGVLTQFTKT